The following is an entry in ClinVar:

NM_144997.7(FLCN):c.1487_1495delinsGGACCAGTGGCAC (p.Ser496fs)

Gene: FLCN (folliculin; minus strand). Cytogenetic location: 17p11.2.
Variant type: Indel.
Coding change: c.1487_1495delinsGGACCAGTGGCAC on transcript NM_144997.7 (MANE Select); coding-DNA positions 1487 to 1495, CTGTGGATG replaced by GGACCAGTGGCAC.
Protein change: p.Ser496fs; shifts the reading frame from serine 496.
Molecular consequence: frameshift variant.
Genome position (GRCh38, 1-based): chr17:17,215,028-17,215,036, CATCCACAG replaced by GTGCCACTGGTCC on the plus strand (CTGTGGATG replaced by GGACCAGTGGCAC on the coding strand, the reverse complement: FLCN is on the minus strand). VCF-style: chr17-17215028-CATCCACAG-GTGCCACTGGTCC. GRCh37 (hg19) VCF-style: chr17-17118342-CATCCACAG-GTGCCACTGGTCC.
Other names: c.1541_1549delinsGGACCAGTGGCAC, p.Ser514fs (NM_001353229.2); c.1487_1495delinsGGACCAGTGGCAC, p.Ser496fs (NM_001353230.2, NM_001353231.2); short protein forms S514fs, S496fs.
Identifiers: ClinVar variation 2451825 (VCV002451825.2), dbSNP rs2544141326, ClinGen allele CA2580092689.
Genomic context (GRCh38, chr17:17,215,028, plus strand): 5'-CCCACACTGTTGCTTACTTCATCCACTCCTCCTTGAGGCAGACGAGGCACTGGTCCACCA[CATCCACAG>GTGCCACTGGTCC]ACAGGTTCTGGTTGGTCAGAGCCGCTTCAATCTTATTCAGGATGGTGGGGCCCACTGGGG-3'

ClinVar aggregate classification (germline): Pathogenic (1 of 4 stars; one submission).

Conditions:
Hereditary cancer-predisposing syndrome. Also called: Neoplastic Syndromes, Hereditary; Tumor predisposition; Hereditary neoplastic syndrome; Hereditary Cancer Syndrome. Identifiers: Orphanet 140162, MedGen C0027672, MeSH D009386, MONDO:0015356.

Submission:

Ambry Genetics
Classification: Pathogenic for Hereditary cancer-predisposing syndrome. Last evaluated: 2022-12-18. Review status: criteria provided, single submitter. Criteria: Ambry Variant Classification Scheme 2023. Collection method: clinical testing. Allele origin: germline.
Comment: The c.1487_1495delCTGTGGATGins13 pathogenic mutation, located in coding exon 10 of the FLCN gene, results from the deletion of 9 nucleotides and insertion of 13 nucleotides causing a translational frameshift with a predicted alternate stop codon (p.S496Wfs*26). This alteration occurs at the 3' terminus of theFLCN gene, is not expected to trigger nonsense-mediated mRNA decay, and only impacts the last 82 amino acids of the protein. However, premature stop codons are typically deleterious in nature and the impacted region is critical for protein function (Ambry internal data). This variant is considered to be rare based on population cohorts in the Genome Aggregation Database (gnomAD). Based on the supporting evidence, this alteration is interpreted as a disease-causing mutation.